The following is an entry in ClinVar:

ClinVar aggregate classification (germline): Uncertain significance (1 of 4 stars; one submission).

Conditions:
Nance-Horan syndrome (NHS). Identifiers: Orphanet 627, MedGen C0796085, MONDO:0010545, OMIM 302350.

Submission:

Labcorp Genetics (formerly Invitae), Labcorp
Classification: Uncertain significance for Nance-Horan syndrome. Last evaluated: 2023-08-11. Review status: criteria provided, single submitter. Criteria: Invitae Variant Classification Sherloc (09022015). Collection method: clinical testing. Allele origin: germline.
Comment: In summary, the available evidence is currently insufficient to determine the role of this variant in disease. Therefore, it has been classified as a Variant of Uncertain Significance. Variants that disrupt the consensus splice site are a relatively common cause of aberrant splicing (PMID: 17576681, 9536098). Algorithms developed to predict the effect of sequence changes on RNA splicing suggest that this variant may disrupt the consensus splice site. This variant has not been reported in the literature in individuals affected with NHS-related conditions. This variant is not present in population databases (gnomAD no frequency). This sequence change falls in intron 4 of the NHS gene. It does not directly change the encoded amino acid sequence of the NHS protein. It affects a nucleotide within the consensus splice site.

Literature cited by the submitters: PubMed 17576681; PubMed 9536098.

NM_001291867.2(NHS):c.1108+3A>T

Gene: NHS (NHS actin remodeling regulator; plus strand). Cytogenetic location: Xp22.13.
Variant type: single nucleotide variant.
Coding change: c.1108+3A>T on transcript NM_001291867.2 (MANE Select); 3 bases into the intron after coding-DNA position 1108, A replaced by T.
Molecular consequence: intron variant.
Genome position (GRCh38, 1-based): chrX:17,721,636, A>T. VCF-style: chrX-17721636-A-T. GRCh37 (hg19) VCF-style: chrX-17739756-A-T.
Other names: c.1045+3A>T (NM_198270.4); c.577+3A>T (NM_001136024.4); c.514+3A>T (NM_001291868.2).
Identifiers: ClinVar variation 2752025 (VCV002752025.3), dbSNP rs2519927572, ClinGen allele CA2697552871.
Genomic context (GRCh38, chrX:17,721,636, plus strand): 5'-AAGATGAAACAAGATGCCCAAGTGATTTCTTCTTGCATTATTCCCATCAATGTTACTGGT[A>T]TCGTTCTGGTTTTTTCTTAGGGGCAGTCGGGTCAGAATATTCTGTGTATTAAATATGTTC-3'